The following is an entry in ClinVar:

NM_022114.4(PRDM16):c.3563C>T (p.Pro1188Leu)

Gene: PRDM16 (PR/SET domain 16; plus strand). Cytogenetic location: 1p36.32.
Variant type: single nucleotide variant.
Coding change: c.3563C>T on transcript NM_022114.4 (MANE Select); coding-DNA position 3563, C replaced by T.
Protein change: p.Pro1188Leu; replaces proline 1188 with leucine.
Molecular consequence: missense variant.
Genome position (GRCh38, 1-based): chr1:3,432,007, C>T. VCF-style: chr1-3432007-C-T. GRCh37 (hg19) VCF-style: chr1-3348571-C-T.
Other names: c.3563C>T, p.Pro1188Leu (NM_199454.3); short protein forms P1188L.
Identifiers: ClinVar variation 846079 (VCV000846079.10), dbSNP rs572604983, ClinGen allele CA544913.

ClinVar aggregate classification (germline): Uncertain significance (1 of 4 stars; one submission).

Conditions:
Left ventricular noncompaction 8 (LVNC8). Identifiers: Orphanet 154, Orphanet 54260, MedGen C3809288, MONDO:0014152, OMIM 615373.

Allele frequency attached by ClinVar (database versions not stated): gnomAD 0.00001 and 0.00002; gnomAD exomes 0.00001 and 0.00002; ExAC 0.00002; 1000 Genomes Project 30x 0.00016; 1000 Genomes Project 0.00020.
gnomAD v4.1: 20 of 1,614,018 alleles (0.0012%); highest among the groups gnomAD compares: South Asian, 0.014%; no homozygotes.

Submission:

Labcorp Genetics (formerly Invitae), Labcorp
Classification: Uncertain significance for Left ventricular noncompaction 8. Last evaluated: 2022-10-10. Review status: criteria provided, single submitter. Criteria: Invitae Variant Classification Sherloc (09022015). Collection method: clinical testing. Allele origin: germline.
Comment: This variant has not been reported in the literature in individuals affected with PRDM16-related conditions. This variant is present in population databases (rs572604983, gnomAD 0.02%). This sequence change replaces proline, which is neutral and non-polar, with leucine, which is neutral and non-polar, at codon 1188 of the PRDM16 protein (p.Pro1188Leu). ClinVar contains an entry for this variant (Variation ID: 846079). In summary, the available evidence is currently insufficient to determine the role of this variant in disease. Therefore, it has been classified as a Variant of Uncertain Significance. Algorithms developed to predict the effect of missense changes on protein structure and function (SIFT, PolyPhen-2, Align-GVGD) all suggest that this variant is likely to be tolerated.